The following is an entry in ClinVar:

NM_198060.4(NRAP):c.3558G>C (p.Thr1186=)

Gene: NRAP (nebulin related anchoring protein; minus strand). Cytogenetic location: 10q25.3.
Variant type: single nucleotide variant.
Coding change: c.3558G>C on transcript NM_198060.4 (MANE Select); coding-DNA position 3558, G replaced by C.
Protein change: p.Thr1186=; no amino-acid change (threonine 1186 retained).
Molecular consequence: synonymous variant.
Genome position (GRCh38, 1-based): chr10:113,610,504, C>G on the plus strand (G>C on the coding strand, the complement: NRAP is on the minus strand). VCF-style: chr10-113610504-C-G. GRCh37 (hg19) VCF-style: chr10-115370263-C-G.
Other names: c.3558G>C, p.Thr1186= (NM_001261463.2); c.3450G>C, p.Thr1150= (NM_001322945.2); c.3453G>C, p.Thr1151= (NM_006175.5).
Identifiers: ClinVar variation 4820395 (VCV004820395.1), dbSNP rs755651666.

ClinVar aggregate classification (germline): Likely benign (1 of 4 stars; one submission).

gnomAD v4.1: 6 of 1,604,682 alleles (0.00037%); highest among the groups gnomAD compares: Non-Finnish European, 0.00051%; no homozygotes.

Submission:

Molecular Diagnostic Laboratory for Inherited Cardiovascular Disease, Montreal Heart Institute
Classification: Likely benign. Last evaluated: 2026-03-27. Review status: criteria provided, single submitter. Criteria: ACMG Guidelines, 2015. Collection method: clinical testing. Allele origin: germline. Affected: no.
Comment: BP7